The following is an entry in ClinVar:

NM_000787.4(DBH):c.1374+24T>G

Gene: DBH (dopamine beta-hydroxylase; plus strand). Cytogenetic location: 9q34.2.
Variant type: single nucleotide variant.
Coding change: c.1374+24T>G on transcript NM_000787.4 (MANE Select); 24 bases into the intron after coding-DNA position 1374, T replaced by G.
Molecular consequence: intron variant.
Genome position (GRCh38, 1-based): chr9:133,652,308, T>G. VCF-style: chr9-133652308-T-G. GRCh37 (hg19) VCF-style: chr9-136517430-T-G.
Identifiers: ClinVar variation 1343820 (VCV001343820.2), dbSNP rs778042927, ClinGen allele CA5313475.
Genomic context (GRCh38, chr9:133,652,308, plus strand): 5'-GATCCGCATGTTGAAGAAGGTCGTGTCGGTCCATCCGGTGAGTGCCCAGCGGGAAGGCTG[T>G]CCCACTCACTGCCACCAGCTGGGGTGGCTGAGAGGGCTGGGGGTGCCACCAGAAGGAGAG-3'

ClinVar aggregate classification (germline): not provided (0 of 4 stars; one submission).

Conditions:
Orthostatic hypotension 1 (ORTHYP1). Also called: Dopamine beta-hydroxylase deficiency; Orthostatic hypotension 1, due to DBH deficiency; NORADRENALINE DEFICIENCY; NOREPINEPHRINE DEFICIENCY. Identifiers: Orphanet 230, MedGen C4746777, MONDO:0009123, OMIM 223360.

Allele frequency attached by ClinVar (database versions not stated): gnomAD exomes below 0.00001; ExAC 0.00001.
gnomAD v4.1: 3 of 1,611,850 alleles (0.00019%); highest among the groups gnomAD compares: Non-Finnish European, 0.00025%; no homozygotes.

Submission:

GeneReviews
No classification provided. Condition: Orthostatic hypotension 1. Review status: no classification provided. Collection method: literature only. Allele origin: germline.
Comment: Identified in Italy [Bartoletti-Stella et al 2015, Donadio et al 2016]

Literature cited by the submitters: PubMed 26410747; PubMed 27237083; NCBI Bookshelf NBK1474.